The following is an entry in ClinVar:

ClinVar aggregate classification (germline): Uncertain significance (1 of 4 stars; one submission).

Submission:

Labcorp Genetics (formerly Invitae), Labcorp
Classification: Uncertain significance. Last evaluated: 2025-10-13. Review status: criteria provided, single submitter. Criteria: Invitae Variant Classification Sherloc (09022015). Collection method: clinical testing. Allele origin: germline.
Comment: This sequence change replaces glutamine, which is neutral and polar, with glutamic acid, which is acidic and polar, at codon 320 of the MPDZ protein (p.Gln320Glu). This variant is not present in population databases (gnomAD no frequency). This variant has not been reported in the literature in individuals affected with MPDZ-related conditions. ClinVar contains an entry for this variant (Variation ID: 1357013). An algorithm developed to predict the effect of missense changes on protein structure and function (PolyPhen-2) suggests that this variant is likely to be disruptive. In summary, the available evidence is currently insufficient to determine the role of this variant in disease. Therefore, it has been classified as a Variant of Uncertain Significance.

NM_001378778.1(MPDZ):c.958C>G (p.Gln320Glu)

Gene: MPDZ (multiple PDZ domain crumbs cell polarity complex component; minus strand). Cytogenetic location: 9p23.
Variant type: single nucleotide variant.
Coding change: c.958C>G on transcript NM_001378778.1 (MANE Select); coding-DNA position 958, C replaced by G.
Protein change: p.Gln320Glu; replaces glutamine 320 with glutamic acid.
Molecular consequence: missense variant.
Genome position (GRCh38, 1-based): chr9:13,219,687, G>C on the plus strand (C>G on the coding strand, the complement: MPDZ is on the minus strand). VCF-style: chr9-13219687-G-C. GRCh37 (hg19) VCF-style: chr9-13219686-G-C.
Other names: c.958C>G, p.Gln320Glu (NM_001375416.1, NM_001375417.1, NM_001375418.1 and 14 more transcripts); short protein forms Q320E.
Identifiers: ClinVar variation 1357013 (VCV001357013.6), dbSNP rs2136221143, ClinGen allele CA372945728.